The following is an entry in ClinVar:

NM_020975.6(RET):c.655G>A (p.Asp219Asn)

Gene: RET (ret proto-oncogene; plus strand). Cytogenetic location: 10q11.21.
Variant type: single nucleotide variant.
Coding change: c.655G>A on transcript NM_020975.6 (MANE Select); coding-DNA position 655, G replaced by A.
Protein change: p.Asp219Asn; replaces aspartic acid 219 with asparagine.
Molecular consequence: missense variant. On other transcripts: intron variant (22), 5 prime UTR variant (1).
Genome position (GRCh38, 1-based): chr10:43,104,981, G>A. VCF-style: chr10-43104981-G-A. GRCh37 (hg19) VCF-style: chr10-43600429-G-A.
Other names: c.655G>A, p.Asp219Asn (NM_001406769.1, NM_001406772.1, NM_020630.7 and 6 more transcripts); c.367G>A, p.Asp123Asn (NM_001406770.1, NM_001406766.1, NM_001406767.1); c.526G>A, p.Asp176Asn (NM_001406774.1, NM_001406761.1, NM_001406762.1 and 2 more transcripts); c.625+2352G>A (NM_001406773.1, NM_001406771.1, NM_001406782.1 and 5 more transcripts); c.496+2352G>A (NM_001406786.1, NM_001406783.1); c.338-4050G>A (NM_001406778.1, NM_001406775.1, NM_001406776.1 and 1 more transcripts); c.337+4259G>A (NM_001406790.1, NM_001406788.1, NM_001406789.1 and 1 more transcripts); c.-108G>A (NM_001355216.2); and 2 more; short protein forms D219N, D176N, D123N.
Identifiers: ClinVar variation 5028145 (VCV005028145.1).
Genomic context (GRCh38, chr10:43,104,981, plus strand): 5'-CACGCGGGGCCCCTGTCTGCTTGGTGCGCAGGTGAGGGTCTGCCCTTCCGCTGCGCCCCG[G>A]ACAGCCTGGAGGTGAGCACGCGCTGGGCCCTGGACCGCGAGCAGCGGGAGAAGTACGAGC-3'
Protein context (NP_066124.1, residues 209-229): GEGLPFRCAP[Asp219Asn]SLEVSTRWAL

ClinVar aggregate classification (germline): Uncertain significance (1 of 4 stars; one submission).

Conditions:
Hereditary cancer-predisposing syndrome. Also called: Neoplastic Syndromes, Hereditary; Tumor predisposition; Hereditary neoplastic syndrome; Hereditary Cancer Syndrome. Identifiers: Orphanet 140162, MedGen C0027672, MeSH D009386, MONDO:0015356.

Submission:

Ambry Genetics
Classification: Uncertain significance for Hereditary cancer-predisposing syndrome. Last evaluated: 2026-07-18. Review status: criteria provided, single submitter. Criteria: Ambry Variant Classification Scheme 2023. Collection method: clinical testing. Allele origin: germline.
Comment: The p.D219N variant (also known as c.655G>A), located in coding exon 4 of the RET gene, results from a G to A substitution at nucleotide position 655. The aspartic acid at codon 219 is replaced by asparagine, an amino acid with highly similar properties. This amino acid position is conserved. In addition, this alteration is predicted to be tolerated by in silico analysis. Based on the available evidence, the clinical significance of this variant remains unclear.